The following is an entry in ClinVar:

ClinVar aggregate classification (germline): Uncertain significance (1 of 4 stars; one submission).

Conditions:
Hereditary cancer-predisposing syndrome. Also called: Neoplastic Syndromes, Hereditary; Tumor predisposition; Hereditary neoplastic syndrome; Hereditary Cancer Syndrome. Identifiers: Orphanet 140162, MedGen C0027672, MeSH D009386, MONDO:0015356.

Submission:

Ambry Genetics
Classification: Uncertain significance for Hereditary cancer-predisposing syndrome. Last evaluated: 2026-07-13. Review status: criteria provided, single submitter. Criteria: Ambry Variant Classification Scheme 2023. Collection method: clinical testing. Allele origin: germline.
Comment: The p.L969V variant (also known as c.2905C>G), located in coding exon 18 of the ATM gene, results from a C to G substitution at nucleotide position 2905. The leucine at codon 969 is replaced by valine, an amino acid with highly similar properties. In an assay testing ATM function, this variant showed a functionally normal result (Lee KS et al. Cell, 2025 Sep;188:5081-5099.e27). This amino acid position is highly conserved in available vertebrate species. In addition, the in silico prediction for this alteration is inconclusive. Based on the available evidence, the clinical significance of this variant remains unclear.

Literature cited by the submitters: PubMed 40580951.

NM_000051.4(ATM):c.2905C>G (p.Leu969Val)

Gene: ATM (ATM serine/threonine kinase; plus strand). Cytogenetic location: 11q22.3.
Variant type: single nucleotide variant.
Coding change: c.2905C>G on transcript NM_000051.4 (MANE Select); coding-DNA position 2905, C replaced by G.
Protein change: p.Leu969Val; replaces leucine 969 with valine.
Molecular consequence: missense variant.
Genome position (GRCh38, 1-based): chr11:108,271,130, C>G. VCF-style: chr11-108271130-C-G. GRCh37 (hg19) VCF-style: chr11-108141857-C-G.
Other names: c.2905C>G, p.Leu969Val (NM_001351834.2); short protein forms L969V.
Identifiers: ClinVar variation 5031487 (VCV005031487.1).